The following is an entry in ClinVar:

NM_015178.3(RHOBTB2):c.853C>G (p.Leu285Val)

Gene: RHOBTB2 (Rho related BTB domain containing 2; plus strand). Cytogenetic location: 8p21.3.
Variant type: single nucleotide variant.
Coding change: c.853C>G on transcript NM_015178.3 (MANE Select); coding-DNA position 853, C replaced by G.
Protein change: p.Leu285Val; replaces leucine 285 with valine.
Molecular consequence: missense variant.
Genome position (GRCh38, 1-based): chr8:23,007,098, C>G. VCF-style: chr8-23007098-C-G. GRCh37 (hg19) VCF-style: chr8-22864611-C-G.
Other names: c.919C>G (NM_001160036.1); c.919C>G, p.Leu307Val (NM_001160036.2); c.874C>G, p.Leu292Val (NM_001160037.2); c.853C>G, p.Leu285Val (NM_001374791.1); short protein forms L285V, L292V, L307V.
Identifiers: ClinVar variation 2417615 (VCV002417615.8), dbSNP rs2487009696, ClinGen allele CA370566123.

ClinVar aggregate classification (germline): Benign. Review status: criteria provided, single submitter (1 of 4 stars). 2 submissions from 2 submitters: Benign (1). 1 of the submissions does not count toward it. Last evaluated 2024-01-09.

Conditions:
RHOBTB2-related disorder. Also called: RHOBTB2-related condition.

Submissions (2):

Labcorp Genetics (formerly Invitae), Labcorp
Classification: Benign. Last evaluated: 2024-01-09. Review status: criteria provided, single submitter. Criteria: Invitae Variant Classification Sherloc (09022015). Collection method: clinical testing. Allele origin: germline.

PreventionGenetics, part of Exact Sciences
Classification: Uncertain significance for RHOBTB2-related condition. Last evaluated: 2023-11-08. Review status: no assertion criteria provided. Collection method: clinical testing. Allele origin: germline. Not counted in ClinVar's aggregate classification.
Comment: The RHOBTB2 c.919C>G variant is predicted to result in the amino acid substitution p.Leu307Val. To our knowledge, this variant has not been reported in the literature or in a large population database, indicating this variant is rare. At this time, the clinical significance of this variant is uncertain due to the absence of conclusive functional and genetic evidence.